The following is an entry in ClinVar:

ClinVar aggregate classification (germline): Uncertain significance. Review status: criteria provided, multiple submitters, no conflicts (2 of 4 stars). 2 submissions from 2 submitters: Uncertain significance (2). Last evaluated 2022-06-27.

Submissions (2):

Labcorp Genetics (formerly Invitae), Labcorp
Classification: Uncertain significance. Last evaluated: 2022-06-27. Review status: criteria provided, single submitter. Criteria: Invitae Variant Classification Sherloc (09022015). Collection method: clinical testing. Allele origin: germline.
Comment: This sequence change replaces valine, which is neutral and non-polar, with leucine, which is neutral and non-polar, at codon 5655 of the ADGRV1 protein (p.Val5655Leu). This variant is not present in population databases (gnomAD no frequency). This variant has not been reported in the literature in individuals affected with ADGRV1-related conditions. Algorithms developed to predict the effect of missense changes on protein structure and function are either unavailable or do not agree on the potential impact of this missense change (SIFT: "Deleterious"; PolyPhen-2: "Benign"; Align-GVGD: "Class C0"). In summary, the available evidence is currently insufficient to determine the role of this variant in disease. Therefore, it has been classified as a Variant of Uncertain Significance.

Blueprint Genetics
Classification: Uncertain significance. Last evaluated: 2022-01-17. Review status: criteria provided, single submitter. Criteria: ACMG Guidelines, 2015. Collection method: clinical testing. Allele origin: germline.

NM_032119.4(ADGRV1):c.16963G>T (p.Val5655Leu)

Gene: ADGRV1 (adhesion G protein-coupled receptor V1; plus strand). Cytogenetic location: 5q14.3.
Variant type: single nucleotide variant.
Coding change: c.16963G>T on transcript NM_032119.4 (MANE Select); coding-DNA position 16963, G replaced by T.
Protein change: p.Val5655Leu; replaces valine 5655 with leucine.
Molecular consequence: missense variant. On other transcripts: non-coding transcript variant (1).
Genome position (GRCh38, 1-based): chr5:90,840,929, G>T. VCF-style: chr5-90840929-G-T. GRCh37 (hg19) VCF-style: chr5-90136746-G-T.
Other names: short protein forms V5655L.
Identifiers: ClinVar variation 1512347 (VCV001512347.6), dbSNP rs1456947298, ClinGen allele CA360428895.